The following is an entry in ClinVar:

ClinVar aggregate classification (germline): Uncertain significance. Review status: criteria provided, multiple submitters, no conflicts (2 of 4 stars). 2 submissions from 2 submitters: Uncertain significance (2). Last evaluated 2025-07-03.

Allele frequency attached by ClinVar (database versions not stated): TOPMed 0.00001; ExAC 0.00002; gnomAD exomes 0.00002; gnomAD 0.00003.

Submissions (2):

Ambry Genetics
Classification: Uncertain significance. Last evaluated: 2025-07-03. Review status: criteria provided, single submitter. Criteria: Ambry Variant Classification Scheme 2023. Collection method: clinical testing. Allele origin: germline.

Labcorp Genetics (formerly Invitae), Labcorp
Classification: Uncertain significance. Last evaluated: 2022-01-18. Review status: criteria provided, single submitter. Criteria: Invitae Variant Classification Sherloc (09022015). Collection method: clinical testing. Allele origin: germline.
Comment: This sequence change replaces lysine, which is basic and polar, with arginine, which is basic and polar, at codon 257 of the CCDC88A protein (p.Lys257Arg). This variant is present in population databases (rs773227469, gnomAD 0.004%). This variant has not been reported in the literature in individuals affected with CCDC88A-related conditions. Algorithms developed to predict the effect of missense changes on protein structure and function are either unavailable or do not agree on the potential impact of this missense change (SIFT: "Tolerated"; PolyPhen-2: "Probably Damaging"; Align-GVGD: "Class C0"). In summary, the available evidence is currently insufficient to determine the role of this variant in disease. Therefore, it has been classified as a Variant of Uncertain Significance.

NM_001365480.1(CCDC88A):c.770A>G (p.Lys257Arg)

Gene: CCDC88A (coiled-coil and HOOK domain protein 88A; minus strand). Cytogenetic location: 2p16.1.
Variant type: single nucleotide variant.
Coding change: c.770A>G on transcript NM_001365480.1 (MANE Select); coding-DNA position 770, A replaced by G.
Protein change: p.Lys257Arg; replaces lysine 257 with arginine.
Molecular consequence: missense variant.
Genome position (GRCh38, 1-based): chr2:55,355,609, T>C on the plus strand (A>G on the coding strand, the complement: CCDC88A is on the minus strand). VCF-style: chr2-55355609-T-C. GRCh37 (hg19) VCF-style: chr2-55582745-T-C.
Other names: c.770A>G (NM_001135597.1); c.770A>G, p.Lys257Arg (NM_001135597.2, NM_001254943.2, NM_018084.5); short protein forms K257R.
Identifiers: ClinVar variation 1926310 (VCV001926310.3), dbSNP rs773227469, ClinGen allele CA1666299.